The following is an entry in ClinVar:

NM_004153.4(ORC1):c.688A>T (p.Thr230Ser)

Gene: ORC1 (origin recognition complex subunit 1; minus strand). Cytogenetic location: 1p32.3.
Variant type: single nucleotide variant.
Coding change: c.688A>T on transcript NM_004153.4 (MANE Select); coding-DNA position 688, A replaced by T.
Protein change: p.Thr230Ser; replaces threonine 230 with serine.
Molecular consequence: missense variant.
Genome position (GRCh38, 1-based): chr1:52,396,079, T>A on the plus strand (A>T on the coding strand, the complement: ORC1 is on the minus strand). VCF-style: chr1-52396079-T-A. GRCh37 (hg19) VCF-style: chr1-52861751-T-A.
Other names: c.688A>T, p.Thr230Ser (NM_001190818.2, NM_001190819.2); short protein forms T230S.
Identifiers: ClinVar variation 1050324 (VCV001050324.1), dbSNP rs1400311570, ClinGen allele CA340362224.

ClinVar aggregate classification (germline): Uncertain significance (0 of 4 stars; one submission).

Allele frequency attached by ClinVar (database versions not stated): gnomAD exomes below 0.00001; TOPMed below 0.00001; gnomAD 0.00001.
gnomAD v4.1: 2 of 1,613,956 alleles (0.00012%); highest among the groups gnomAD compares: Non-Finnish European, 0.00017%; no homozygotes.

Submission:

Department of Pathology and Laboratory Medicine, Sinai Health System
Classification: Uncertain significance. Review status: no assertion criteria provided. Collection method: clinical testing. Allele origin: unknown. Affected: yes. Study: The Canadian Open Genetics Repository (COGR).
Comment: The ORC1 p.T230S variant was not identified in the literature nor was it identified in ClinVar. The variant was identified in dbSNP (ID: rs1400311570) and in control databases in 1 of 251348 chromosomes at a frequency of 0.000003979 (Genome Aggregation Database March 6, 2019, v2.1.1). The p.T230 residue is not conserved in mammals and computational analyses (MUT Assesor, SIFT, MutationTaster, Revel, FATHMM, MetaLR, DANN) do not suggest a high likelihood of impact to the protein; however this information is not predictive enough to rule out pathogenicity. The variant occurs outside of the splicing consensus sequence and in silico or computational prediction software programs (Splice AI exome) do not predict a difference in splicing. In summary, based on the above information the clinical significance of this variant cannot be determined with certainty at this time. This variant is classified as a variant of uncertain significance.